The following is an entry in ClinVar:

ClinVar aggregate classification (germline): Uncertain significance (1 of 4 stars; one submission).

Conditions:
Epileptic encephalopathy. Identifiers: MedGen C0543888, HP:0200134.

Allele frequency attached by ClinVar (database versions not stated): gnomAD 0.00001; gnomAD exomes 0.00002; TOPMed 0.00003.
gnomAD v4.1: 24 of 1,612,008 alleles (0.0015%); highest among the groups gnomAD compares: East Asian, 0.0022%; no homozygotes.

Submission:

Labcorp Genetics (formerly Invitae), Labcorp
Classification: Uncertain significance for Epileptic encephalopathy. Last evaluated: 2025-12-19. Review status: criteria provided, single submitter. Criteria: Invitae Variant Classification Sherloc (09022015). Collection method: clinical testing. Allele origin: germline.
Comment: This sequence change replaces aspartic acid, which is acidic and polar, with alanine, which is neutral and non-polar, at codon 1631 of the FASN protein (p.Asp1631Ala). This variant is not present in population databases (gnomAD no frequency). This variant has not been reported in the literature in individuals affected with FASN-related conditions. ClinVar contains an entry for this variant (Variation ID: 3017342). An algorithm developed to predict the effect of missense changes on protein structure and function outputs the following: PolyPhen-2: "Benign". The alanine amino acid residue is found in multiple mammalian species, which suggests that this missense change does not adversely affect protein function. In summary, the available evidence is currently insufficient to determine the role of this variant in disease. Therefore, it has been classified as a Variant of Uncertain Significance.

NM_004104.5(FASN):c.4892A>C (p.Asp1631Ala)

Gene: FASN (fatty acid synthase; minus strand). Cytogenetic location: 17q25.3.
Variant type: single nucleotide variant.
Coding change: c.4892A>C on transcript NM_004104.5 (MANE Select); coding-DNA position 4892, A replaced by C.
Protein change: p.Asp1631Ala; replaces aspartic acid 1631 with alanine.
Molecular consequence: missense variant.
Genome position (GRCh38, 1-based): chr17:82,084,261, T>G on the plus strand (A>C on the coding strand, the complement: FASN is on the minus strand). VCF-style: chr17-82084261-T-G. GRCh37 (hg19) VCF-style: chr17-80042137-T-G.
Other names: short protein forms D1631A.
Identifiers: ClinVar variation 3017342 (VCV003017342.3), dbSNP rs1449198557, ClinGen allele CA401543232.